The following is an entry in ClinVar:

NM_002474.3(MYH11):c.936T>A (p.Asn312Lys)

Gene: MYH11 (myosin heavy chain 11; minus strand). Cytogenetic location: 16p13.11.
Variant type: single nucleotide variant.
Coding change: c.936T>A on transcript NM_002474.3 (MANE Select); coding-DNA position 936, T replaced by A.
Protein change: p.Asn312Lys; replaces asparagine 312 with lysine.
Molecular consequence: missense variant.
Genome position (GRCh38, 1-based): chr16:15,771,666, A>T on the plus strand (T>A on the coding strand, the complement: MYH11 is on the minus strand). VCF-style: chr16-15771666-A-T. GRCh37 (hg19) VCF-style: chr16-15865523-A-T.
Other names: c.957T>A, p.Asn319Lys (NM_001040113.2, NM_001040114.2); c.936T>A, p.Asn312Lys (NM_022844.3); short protein forms N312K, N319K.
Identifiers: ClinVar variation 451542 (VCV000451542.3), dbSNP rs1555565510, ClinGen allele CA394867991.
Genomic context (GRCh38, chr16:15,771,666, plus strand): 5'-GGCCTCCACGGTTTCCTGGAACATCTCATCATCCTGGGCTGCTGGGATGGGCACAAAGCC[A>T]TTGGAGAGGAAGGTGTAGTTGTTGAAGCCCTCCAAAAGCAAGTCACCTAGAAGGAGAGGA-3'
Protein context (NP_002465.1, residues 302-322): EGFNNYTFLS[Asn312Lys]GFVPIPAAQD

ClinVar aggregate classification (germline): Uncertain significance. Review status: criteria provided, multiple submitters, no conflicts (2 of 4 stars). 2 submissions from 2 submitters: Uncertain significance (2). Last evaluated 2024-08-06.

Conditions:
Familial thoracic aortic aneurysm and aortic dissection (TAAD). Also called: Thoracic aortic aneurysms and dissections. Identifiers: Orphanet 91387, MedGen C4707243, MONDO:0019625.

Submissions (2):

All of Us Research Program, National Institutes of Health
Classification: Uncertain significance for Familial thoracic aortic aneurysm and aortic dissection. Last evaluated: 2024-08-06. Review status: criteria provided, single submitter. Criteria: ACMG Guidelines, 2015. Collection method: clinical testing. Allele origin: germline. Inheritance: Autosomal dominant inheritance. Observed: 1 variant allele, 1 heterozygote.
Comment: This study involves interpretation of variants in research participants for the purpose of population health screening. Participant phenotype was not available at the time of variant classification. Additional details can be found in publication PMID: 35346344, PMCID: PMC8962531

GeneDx
Classification: Uncertain significance. Last evaluated: 2017-09-01. Review status: criteria provided, single submitter. Criteria: GeneDx Variant Classification (06012015). Collection method: clinical testing. Allele origin: germline. Affected: yes.
Comment: The N312K variant in the MYH11 gene has not been reported previously as a pathogenic variant, nor as a benign variant, to our knowledge. The N312K variant is not observed in large population cohorts (Lek et al., 2016; 1000 Genomes Consortium et al., 2015; Exome Variant Server). The N312K variant is a semi-conservative amino acid substitution, which may impact secondary protein structure as these residues differ in some properties. This substitution occurs at a position that is conserved in mammals. In silico analysis predicts this variant is probably damaging to the protein structure/function. We interpret N312K as a variant of uncertain significance.